The following is an entry in ClinVar:

NM_001130823.3(DNMT1):c.2686C>T (p.Pro896Ser)

Gene: DNMT1 (DNA methyltransferase 1; minus strand). Cytogenetic location: 19p13.2.
Variant type: single nucleotide variant.
Coding change: c.2686C>T on transcript NM_001130823.3 (MANE Select); coding-DNA position 2686, C replaced by T.
Protein change: p.Pro896Ser; replaces proline 896 with serine.
Molecular consequence: missense variant.
Genome position (GRCh38, 1-based): chr19:10,148,918, G>A on the plus strand (C>T on the coding strand, the complement: DNMT1 is on the minus strand). VCF-style: chr19-10148918-G-A. GRCh37 (hg19) VCF-style: chr19-10259594-G-A.
Other names: c.2638C>T, p.Pro880Ser (NM_001318730.2, NM_001379.4); c.2323C>T, p.Pro775Ser (NM_001318731.2); c.2686C>T (NM_001130823.2); short protein forms P880S, P775S, P896S.
Identifiers: ClinVar variation 952579 (VCV000952579.10), dbSNP rs1379893711, ClinGen allele CA403926238.

ClinVar aggregate classification (germline): Uncertain significance. Review status: criteria provided, multiple submitters, no conflicts (2 of 4 stars). 2 submissions from 2 submitters: Uncertain significance (2). Last evaluated 2025-05-29.

Conditions:
Hereditary sensory neuropathy-deafness-dementia syndrome. Also called: HSN IE; Hereditary sensory neuropathy type IE; NEUROPATHY, HEREDITARY SENSORY, WITH HEARING LOSS AND DEMENTIA; Hereditary Sensory and Autonomic Neuropathy Type 1E (HSAN1E). Identifiers: Orphanet 456318, MedGen C3279885, MONDO:0013584, OMIM 614116.
DNMT1-related disorder. Also called: DNMT1-related condition. Identifiers: MedGen CN381527.

Allele frequency attached by ClinVar (database versions not stated): gnomAD exomes 0.00001; TOPMed 0.00002; gnomAD 0.00003 and 0.00004.
gnomAD v4.1: 9 of 1,614,074 alleles (0.00056%); highest among the groups gnomAD compares: Non-Finnish European, 0.00068%; no homozygotes.

Submissions (2):

PreventionGenetics, part of Exact Sciences
Classification: Uncertain significance for DNMT1-related condition. Last evaluated: 2025-05-29. Review status: criteria provided, single submitter. Criteria: ACMG Guidelines, 2015. Collection method: clinical testing. Allele origin: germline.
Comment: The DNMT1 c.2686C>T variant is predicted to result in the amino acid substitution p.Pro896Ser. To our knowledge, this variant has not been reported in the literature. This variant is reported in 0.0065% of alleles in individuals of European (non-Finnish) descent in gnomAD. At this time, the clinical significance of this variant is uncertain due to the absence of conclusive functional and genetic evidence.

Labcorp Genetics (formerly Invitae), Labcorp
Classification: Uncertain significance for Hereditary sensory neuropathy-deafness-dementia syndrome. Last evaluated: 2022-12-23. Review status: criteria provided, single submitter. Criteria: Invitae Variant Classification Sherloc (09022015). Collection method: clinical testing. Allele origin: germline.
Comment: This sequence change replaces proline, which is neutral and non-polar, with serine, which is neutral and polar, at codon 896 of the DNMT1 protein (p.Pro896Ser). This variant is present in population databases (no rsID available, gnomAD 0.007%). This variant has not been reported in the literature in individuals affected with DNMT1-related conditions. ClinVar contains an entry for this variant (Variation ID: 952579). Advanced modeling of protein sequence and biophysical properties (such as structural, functional, and spatial information, amino acid conservation, physicochemical variation, residue mobility, and thermodynamic stability) performed at Invitae indicates that this missense variant is not expected to disrupt DNMT1 protein function. In summary, the available evidence is currently insufficient to determine the role of this variant in disease. Therefore, it has been classified as a Variant of Uncertain Significance.